The following is an entry in ClinVar:

NM_006950.3(SYN1):c.1470GCA[1] (p.Gln491del)

Gene: SYN1 (synapsin I; minus strand). Cytogenetic location: Xp11.3.
Variant type: Microsatellite.
Coding change: c.1470GCA[1] on transcript NM_006950.3 (MANE Select); one copy of the 3-base unit GCA starting at c.1470; the reference has two copies in a row; one copy, 3 bases deleted.
Protein change: p.Gln491del; deletes glutamine 491.
Molecular consequence: inframe deletion.
Genome position (GRCh38, 1-based): chrX:47,574,509-47,574,511, TGC deleted on the plus strand (GCA on the coding strand, the reverse complement: SYN1 is on the minus strand); deleting any 3 consecutive bases within chrX:47,574,509-47,574,516 gives the same sequence; the position shown is the placement nearest the transcript's 3' end. VCF-style (leftmost placement, unchanged base first): chrX-47574508-GTGC-G. GRCh37 (hg19) VCF-style: chrX-47433907-GTGC-G.
Other names: c.1473_1475delGCA (NM_133499.2); c.1470GCA[1], p.Gln491del (NM_133499.2); c.1473_1475del (NM_133499.2); short protein forms Q491del.
Identifiers: ClinVar variation 207479 (VCV000207479.12), dbSNP rs775858141, ClinGen allele CA318976.

ClinVar aggregate classification (germline): Conflicting classifications of pathogenicity. Review status: criteria provided, conflicting classifications (1 of 4 stars). 2 submissions from 2 submitters: Uncertain significance (1); Likely benign (1). Last evaluated 2025-11-25.

Conditions:
Epilepsy, X-linked 1, with variable learning disabilities and behavior disorders. Also called: X-linked epilepsy-learning disabilities-behavior disorders syndrome. Identifiers: Orphanet 85294, MedGen C5774177, MONDO:0010339, OMIM 300491.

Submissions (2):

Labcorp Genetics (formerly Invitae), Labcorp
Classification: Likely benign for Epilepsy, X-linked 1, with variable learning disabilities and behavior disorders. Last evaluated: 2025-11-25. Review status: criteria provided, single submitter. Criteria: Invitae Variant Classification Sherloc (09022015). Collection method: clinical testing. Allele origin: germline.

GeneDx
Classification: Uncertain significance. Last evaluated: 2013-09-23. Review status: criteria provided, single submitter. Criteria: GeneDx Variant Classification (06012015). Collection method: clinical testing. Allele origin: germline. Affected: yes.
Comment: The c.1473_1475delGCA variant in the SYN1 gene has not been published as a mutation, nor has it been reported as a benign polymorphism to our knowledge. It results in an in-frame deletion of a single Glutamine residue in a region of the protein that is conserved through mammals but is not conserved in more distant species. To our knowledge, in-frame deletions have not been previously reported in the SYN1 gene in association with epilepsy. Therefore, based on the currently available information, it is unclear whether c.1473_1475delGCA is a disease-causing mutation or a rare benign variant. However, the possibility that c.1473_1475delGCA is a disease associated mutation cannot be excluded, since heterozygous female carriers of SYN1 mutations may be unaffected (Garcia et al., 2004). The variant is found in EPILEPSY panel(s).